The following is an entry in ClinVar:

NM_001100913.3(PACS2):c.959+6C>T

Gene: PACS2 (phosphofurin acidic cluster sorting protein 2; plus strand). Cytogenetic location: 14q32.33.
Variant type: single nucleotide variant.
Coding change: c.959+6C>T on transcript NM_001100913.3 (MANE Select); 6 bases into the intron after coding-DNA position 959, C replaced by T.
Molecular consequence: intron variant.
Genome position (GRCh38, 1-based): chr14:105,376,931, C>T. VCF-style: chr14-105376931-C-T. GRCh37 (hg19) VCF-style: chr14-105843268-C-T.
Other names: c.734+6C>T (NM_001243127.3); c.959+6C>T (NM_015197.4).
Identifiers: ClinVar variation 1462903 (VCV001462903.6), dbSNP rs782258163, ClinGen allele CA7388641.

ClinVar aggregate classification (germline): Uncertain significance (1 of 4 stars; one submission).

Allele frequency attached by ClinVar (database versions not stated): gnomAD exomes below 0.00001 and 0.00001; ExAC 0.00002.
gnomAD v4.1: 2 of 1,597,430 alleles (0.00013%); highest among the groups gnomAD compares: Admixed American, 0.0034%; no homozygotes.

Submission:

Labcorp Genetics (formerly Invitae), Labcorp
Classification: Uncertain significance. Last evaluated: 2021-03-10. Review status: criteria provided, single submitter. Criteria: Invitae Variant Classification Sherloc (09022015). Collection method: clinical testing. Allele origin: germline.
Comment: This variant has not been reported in the literature in individuals with PACS2-related conditions. This variant is present in population databases (rs782258163, ExAC 0.009%). This sequence change falls in intron 9 of the PACS2 gene. It does not directly change the encoded amino acid sequence of the PACS2 protein. It affects a nucleotide within the consensus splice site of the intron. Nucleotide substitutions within the consensus splice site are a relatively common cause of aberrant splicing (PMID: 17576681, 9536098). Algorithms developed to predict the effect of sequence changes on RNA splicing suggest that this variant is not likely to affect RNA splicing, but this prediction has not been confirmed by published transcriptional studies. In summary, the available evidence is currently insufficient to determine the role of this variant in disease. Therefore, it has been classified as a Variant of Uncertain Significance.

Literature cited by the submitters: PubMed 17576681; PubMed 9536098.